The following is an entry in ClinVar:

ClinVar aggregate classification (germline): Likely pathogenic (1 of 4 stars; one submission).

Submission:

Labcorp Genetics (formerly Invitae), Labcorp
Classification: Likely pathogenic. Last evaluated: 2025-04-07. Review status: criteria provided, single submitter. Criteria: Invitae Variant Classification Sherloc (09022015). Collection method: clinical testing. Allele origin: germline.
Comment: This sequence change affects an acceptor splice site in intron 33 of the MYO7A gene. It is expected to disrupt RNA splicing. Variants that disrupt the donor or acceptor splice site typically lead to a loss of protein function (PMID: 16199547), and loss-of-function variants in MYO7A are known to be pathogenic (PMID: 8900236, 25404053). This variant is not present in population databases (gnomAD no frequency). Disruption of this splice site has been observed in individual(s) with Usher syndrome (PMID: 21873662). ClinVar contains an entry for this variant (Variation ID: 850351). Algorithms developed to predict the effect of sequence changes on RNA splicing suggest that this variant may disrupt the consensus splice site. In summary, the currently available evidence indicates that the variant is pathogenic, but additional data are needed to prove that conclusively. Therefore, this variant has been classified as Likely Pathogenic.

Literature cited by the submitters: PubMed 16199547; PubMed 8900236; PubMed 25404053; PubMed 21873662.

NM_000260.4(MYO7A):c.4442-1G>A

Gene: MYO7A (myosin VIIA; plus strand). Cytogenetic location: 11q13.5.
Variant type: single nucleotide variant.
Coding change: c.4442-1G>A on transcript NM_000260.4 (MANE Select); the canonical splice acceptor site of the intron before coding-DNA position 4442, G replaced by A.
Molecular consequence: splice acceptor variant.
Genome position (GRCh38, 1-based): chr11:77,198,494, G>A. VCF-style: chr11-77198494-G-A. GRCh37 (hg19) VCF-style: chr11-76909539-G-A.
Other names: c.4409-1G>A (NM_001369365.1); c.4442-1G>A (NM_001127180.2).
Identifiers: ClinVar variation 850351 (VCV000850351.11), dbSNP rs1485456037, ClinGen allele CA381950199.